The following is an entry in ClinVar:

ClinVar aggregate classification (germline): Likely benign (1 of 4 stars; one submission).

Conditions:
Spinocerebellar ataxia type 28 (SCA28). Also called: Spinocerebellar Ataxia Type 28 (SCA28). Identifiers: Orphanet 101109, MedGen C1853249, MONDO:0012450, OMIM 610246.

Allele frequency attached by ClinVar (database versions not stated): TOPMed below 0.00001; gnomAD 0.00001; gnomAD exomes 0.00004 and 0.00005; ExAC 0.00007.
gnomAD v4.1: 61 of 1,612,606 alleles (0.0038%); highest among the groups gnomAD compares: East Asian, 0.13%; no homozygotes.

Submission:

Illumina Laboratory Services, Illumina
Classification: Likely benign for Spinocerebellar ataxia type 28. Last evaluated: 2018-01-13. Review status: criteria provided, single submitter. Criteria: ICSL Variant Classification Criteria 13 December 2019. Collection method: clinical testing. Allele origin: germline.
Comment: This variant was observed in the ICSL laboratory as part of a predisposition screen in an ostensibly healthy population. It had not been previously curated by ICSL or reported in the Human Gene Mutation Database (HGMD: prior to June 1st, 2018), and was therefore a candidate for classification through an automated scoring system. Utilizing variant allele frequency, disease prevalence and penetrance estimates, and inheritance mode, an automated score was calculated to assess if this variant is too frequent to cause the disease. Based on the score and internal cut-off values, a variant classified as likely benign is not then subjected to further curation. The score for this variant resulted in a classification of likely benign for this disease.

NM_006796.3(AFG3L2):c.2175+14G>A

Gene: AFG3L2 (AFG3 like matrix AAA peptidase subunit 2; minus strand). Cytogenetic location: 18p11.21.
Variant type: single nucleotide variant.
Coding change: c.2175+14G>A on transcript NM_006796.3 (MANE Select); 14 bases into the intron after coding-DNA position 2175, G replaced by A.
Molecular consequence: intron variant.
Genome position (GRCh38, 1-based): chr18:12,337,327, C>T on the plus strand (G>A on the coding strand, the complement: AFG3L2 is on the minus strand). VCF-style: chr18-12337327-C-T. GRCh37 (hg19) VCF-style: chr18-12337326-C-T.
Identifiers: ClinVar variation 326103 (VCV000326103.5), dbSNP rs758755215, ClinGen allele CA8896296.